The following is an entry in ClinVar:

NM_001099922.3(ALG13):c.653A>G (p.Asn218Ser)

Gene: ALG13 (ALG13 UDP-N-acetylglucosaminyltransferase subunit; plus strand). Cytogenetic location: Xq23.
Variant type: single nucleotide variant.
Coding change: c.653A>G on transcript NM_001099922.3 (MANE Select); coding-DNA position 653, A replaced by G.
Protein change: p.Asn218Ser; replaces asparagine 218 with serine.
Molecular consequence: missense variant. On other transcripts: non-coding transcript variant (1).
Genome position (GRCh38, 1-based): chrX:111,708,296, A>G. VCF-style: chrX-111708296-A-G. GRCh37 (hg19) VCF-style: chrX-110951524-A-G.
Other names: c.341A>G, p.Asn114Ser (NM_001257230.2, NM_001257234.2, NM_001257237.2 and 1 more transcripts); c.419A>G, p.Asn140Ser (NM_001257231.2); c.653A>G, p.Asn218Ser (NM_001324292.2); short protein forms N218S, N114S, N140S.
Identifiers: ClinVar variation 451123 (VCV000451123.2), dbSNP rs1381356440, ClinGen allele CA414249774.

ClinVar aggregate classification (germline): Uncertain significance (1 of 4 stars; one submission).

Allele frequency attached by ClinVar (database versions not stated): gnomAD exomes below 0.00001; TOPMed below 0.00001; gnomAD 0.00001.
gnomAD v4.1: 2 of 1,210,166 alleles (0.00017%); highest among the groups gnomAD compares: Non-Finnish European, 0.00022%; no homozygotes.

Submission:

GeneDx
Classification: Uncertain significance. Last evaluated: 2017-08-07. Review status: criteria provided, single submitter. Criteria: GeneDx Variant Classification (06012015). Collection method: clinical testing. Allele origin: germline. Affected: yes.
Comment: A variant of uncertain significance has been identified in the ALG13 gene. The N218S variant has not been published as a pathogenic variant, nor has it been reported as a benign variant to our knowledge. The N218S variant is a conservative amino acid substitution, which is not likely to impact secondary protein structure as these residues share similar properties. This substitution occurs at a position where amino acids with similar properties to Asparagine are tolerated across species. In silico analysis predicts this variant likely does not alter the protein structure/function. However, the N218S variant is not observed in large population cohorts (Lek et al., 2016; 1000 Genomes Consortium et al., 2015; Exome Variant Server). Therefore, based on the currently available information, it is unclear whether this variant is a pathogenic variant or a rare benign variant.